The following is an entry in ClinVar:

NM_003002.4(SDHD):c.48C>T (p.Gly16=)

Genes: SDHD (succinate dehydrogenase complex subunit D; plus strand), LOC126861339 (BRD4-independent group 4 enhancer GRCh37_chr11:111957035-111958234; plus strand). Cytogenetic location: 11q23.1.
Variant type: single nucleotide variant.
Coding change: c.48C>T on transcript NM_003002.4 (MANE Select); coding-DNA position 48, C replaced by T.
Protein change: p.Gly16=; no amino-acid change (glycine 16 retained).
Molecular consequence: synonymous variant. On other transcripts: non-coding transcript variant (1).
Genome position (GRCh38, 1-based): chr11:112,086,955, C>T. VCF-style: chr11-112086955-C-T. GRCh37 (hg19) VCF-style: chr11-111957679-C-T.
Other names: c.48C>T, p.Gly16= (NM_001276503.2, NM_001276504.2, NM_001276506.2).
Identifiers: ClinVar variation 486443 (VCV000486443.19), dbSNP rs1555186688, ClinGen allele CA476789208.

ClinVar aggregate classification (germline): Benign/Likely benign. Review status: criteria provided, multiple submitters, no conflicts (2 of 4 stars). 4 submissions from 4 submitters: Benign (1); Likely benign (3). Last evaluated 2025-12-09.

Conditions:
Pheochromocytoma. Also called: MAX-Related Hereditary Paraganglioma-Pheochromocytoma Syndrome. Identifiers: Orphanet 29072, MedGen C0031511, MONDO:0008233, OMIM 171300, HP:0002666.
Carney-Stratakis syndrome. Also called: PARAGANGLIOMA AND GASTROINTESTINAL STROMAL TUMOR. Identifiers: Orphanet 97286, MedGen C1847319, MONDO:0011740, OMIM 606864.
Cowden syndrome 3 (CWS3). Identifiers: Orphanet 201, MedGen CN166604, MONDO:0014045.
Paragangliomas with sensorineural hearing loss. Identifiers: MedGen C1868633.
Hereditary cancer-predisposing syndrome. Also called: Tumor predisposition; Neoplastic Syndromes, Hereditary; Hereditary Cancer Syndrome; Hereditary neoplastic syndrome. Identifiers: Orphanet 140162, MedGen C0027672, MeSH D009386, MONDO:0015356.
Pheochromocytoma/paraganglioma syndrome 1. Also called: Paraganglioma - glomus jugulare; SDHD-Related Hereditary Paraganglioma-Pheochromocytoma Syndrome; PARAGANGLIOMATA; PARAGANGLIOMAS, FAMILIAL NONCHROMAFFIN, 1; PGL 1; Paragangliomas familial 1. Identifiers: Orphanet 29072, MedGen C3494181, MONDO:0008192, OMIM 168000.

Allele frequency attached by ClinVar (database versions not stated): gnomAD exomes below 0.00001.
gnomAD v4.1: 1 of 1,614,098 alleles (0.000062%); highest among the groups gnomAD compares: Non-Finnish European, 0.000085%; no homozygotes.

Submissions (4):

Labcorp Genetics (formerly Invitae), Labcorp
Classification: Likely benign for Carney-Stratakis syndrome; Paragangliomas with sensorineural hearing loss; Pheochromocytoma; Cowden syndrome 3. Last evaluated: 2025-12-09. Review status: criteria provided, single submitter. Criteria: Invitae Variant Classification Sherloc (09022015). Collection method: clinical testing. Allele origin: germline.

Myriad Genetics, Inc.
Classification: Benign for Pheochromocytoma/paraganglioma syndrome 1. Last evaluated: 2025-03-17. Review status: criteria provided, single submitter. Criteria: Myriad Autosomal Dominant, Autosomal Recessive and X-Linked Classification Criteria (2023). Collection method: clinical testing. Allele origin: unknown.
Comment: This variant is considered benign. This variant is a silent/synonymous amino acid change and it is not expected to impact splicing.

Ambry Genetics
Classification: Likely benign for Hereditary cancer-predisposing syndrome. Last evaluated: 2016-10-28. Review status: criteria provided, single submitter. Criteria: Ambry Variant Classification Scheme 2023. Collection method: clinical testing. Allele origin: germline.

Breakthrough Genomics
Classification: Likely benign. Review status: criteria provided, single submitter. Criteria: ACMG Guidelines, 2015. Collection method: not provided. Allele origin: germline. Inheritance: Autosomal recessive inheritance. Affected: yes.